The following is an entry in ClinVar:

NM_171998.4(RAB39B):c.565del (p.Gly188_Val189insTer)

Gene: RAB39B (RAB39B, member RAS oncogene family; minus strand). Cytogenetic location: Xq28.
Variant type: Deletion.
Coding change: c.565del on transcript NM_171998.4 (MANE Select); coding-DNA position 565, one base deleted (G; older notation c.565delG).
Protein change: p.Gly188_Val189insTer.
Molecular consequence: nonsense.
Genome position (GRCh38, 1-based): chrX:155,260,880, C deleted on the plus strand (G on the coding strand, the reverse complement: RAB39B is on the minus strand); the first of 4 consecutive C bases (chrX:155,260,880-155,260,883); deleting any one gives the same sequence. VCF-style (leftmost placement, unchanged base first): chrX-155260879-AC-A. GRCh37 (hg19) VCF-style: chrX-154490164-AC-A.
Identifiers: ClinVar variation 4886473 (VCV004886473.2).

ClinVar aggregate classification (germline): Likely pathogenic (1 of 4 stars; one submission).

Submission:

Dasa
Classification: Likely pathogenic. Last evaluated: 2025-07-07. Review status: criteria provided, single submitter. Criteria: DASA Assertion Criteria. Collection method: clinical testing. Allele origin: germline.
Comment: NM_171998.4(RAB39B):c.565del (p.Val189*) is a nonsense variant in RAB39B predicted to introduce a premature termination codon and is predicted to result in an absent or altered protein product. Loss of function is an established disease mechanism for RAB39B (PMID: 20159109; PMID: 21076407; PMID: 23871722). Also, this variant is absent from population databases. Based on the currently available evidence, this variant is classified as likely pathogenic.

Literature cited by the submitters: PubMed 20159109; PubMed 21076407; PubMed 23871722.